The following is an entry in ClinVar:

ClinVar aggregate classification (germline): Uncertain significance (1 of 4 stars; one submission).

Submission:

Labcorp Genetics (formerly Invitae), Labcorp
Classification: Uncertain significance. Last evaluated: 2022-10-03. Review status: criteria provided, single submitter. Criteria: Invitae Variant Classification Sherloc (09022015). Collection method: clinical testing. Allele origin: germline.
Comment: In summary, the available evidence is currently insufficient to determine the role of this variant in disease. Therefore, it has been classified as a Variant of Uncertain Significance. Advanced modeling of protein sequence and biophysical properties (such as structural, functional, and spatial information, amino acid conservation, physicochemical variation, residue mobility, and thermodynamic stability) performed at Invitae indicates that this missense variant is not expected to disrupt CACNA1B protein function. ClinVar contains an entry for this variant (Variation ID: 1352553). This variant has not been reported in the literature in individuals affected with CACNA1B-related conditions. This sequence change replaces aspartic acid, which is acidic and polar, with valine, which is neutral and non-polar, at codon 1012 of the CACNA1B protein (p.Asp1012Val). This variant is not present in population databases (gnomAD no frequency).

NM_000718.4(CACNA1B):c.3035A>T (p.Asp1012Val)

Gene: CACNA1B (calcium voltage-gated channel subunit alpha1 B; plus strand). Cytogenetic location: 9q34.3.
Variant type: single nucleotide variant.
Coding change: c.3035A>T on transcript NM_000718.4 (MANE Select); coding-DNA position 3035, A replaced by T.
Protein change: p.Asp1012Val; replaces aspartic acid 1012 with valine.
Molecular consequence: missense variant.
Genome position (GRCh38, 1-based): chr9:138,023,778, A>T. VCF-style: chr9-138023778-A-T. GRCh37 (hg19) VCF-style: chr9-140918230-A-T.
Other names: c.3035A>T, p.Asp1012Val (NM_001243812.2); short protein forms D1012V.
Identifiers: ClinVar variation 1352553 (VCV001352553.6), dbSNP rs1356106101, ClinGen allele CA375810667.